The following is an entry in ClinVar:

ClinVar aggregate classification (germline): Uncertain significance. Review status: criteria provided, multiple submitters, no conflicts (2 of 4 stars). 2 submissions from 2 submitters: Uncertain significance (2). Last evaluated 2022-08-08.

Conditions:
Inborn genetic diseases. Identifiers: MedGen C0950123, MeSH D030342.

gnomAD v4.1: 1 of 1,172,517 alleles (0.000085%); no homozygotes.

Submissions (2):

Ambry Genetics
Classification: Uncertain significance for Inborn genetic diseases. Last evaluated: 2022-08-08. Review status: criteria provided, single submitter. Criteria: Ambry Variant Classification Scheme 2023. Collection method: clinical testing. Allele origin: germline.

Labcorp Genetics (formerly Invitae), Labcorp
Classification: Uncertain significance. Last evaluated: 2022-02-03. Review status: criteria provided, single submitter. Criteria: Invitae Variant Classification Sherloc (09022015). Collection method: clinical testing. Allele origin: germline.
Comment: Algorithms developed to predict the effect of missense changes on protein structure and function output the following: SIFT: "Tolerated"; PolyPhen-2: "Benign"; Align-GVGD: "Class C0". The alanine amino acid residue is found in multiple mammalian species, which suggests that this missense change does not adversely affect protein function. This variant has not been reported in the literature in individuals affected with POLA1-related conditions. This variant is present in population databases (no rsID available, gnomAD 0.01%). This sequence change replaces threonine, which is neutral and polar, with alanine, which is neutral and non-polar, at codon 1244 of the POLA1 protein (p.Thr1244Ala). In summary, the available evidence is currently insufficient to determine the role of this variant in disease. Therefore, it has been classified as a Variant of Uncertain Significance.

NM_001330360.2(POLA1):c.3748A>G (p.Thr1250Ala)

Gene: POLA1 (DNA polymerase alpha 1, catalytic subunit; plus strand). Cytogenetic location: Xp22.11.
Variant type: single nucleotide variant.
Coding change: c.3748A>G on transcript NM_001330360.2 (MANE Select); coding-DNA position 3748, A replaced by G.
Protein change: p.Thr1250Ala; replaces threonine 1250 with alanine.
Molecular consequence: missense variant. On other transcripts: non-coding transcript variant (2).
Genome position (GRCh38, 1-based): chrX:24,841,663, A>G. VCF-style: chrX-24841663-A-G. GRCh37 (hg19) VCF-style: chrX-24859780-A-G.
Other names: c.3673A>G, p.Thr1225Ala (NM_001378303.1); c.3730A>G, p.Thr1244Ala (NM_016937.4); short protein forms T1244A, T1225A, T1250A.
Identifiers: ClinVar variation 1962682 (VCV001962682.6), dbSNP rs1465348511, ClinGen allele CA412607924.